The following is an entry in ClinVar:

ClinVar aggregate classification (germline): Uncertain significance. Review status: criteria provided, multiple submitters, no conflicts (2 of 4 stars). 2 submissions from 2 submitters: Uncertain significance (2). Last evaluated 2024-12-10.

Conditions:
Inborn genetic diseases. Identifiers: MedGen C0950123, MeSH D030342.

gnomAD v4.1: 22 of 1,613,774 alleles (0.0014%); highest among the groups gnomAD compares: South Asian, 0.013%; no homozygotes.

Submissions (2):

Labcorp Genetics (formerly Invitae), Labcorp
Classification: Uncertain significance. Last evaluated: 2024-12-10. Review status: criteria provided, single submitter. Criteria: Invitae Variant Classification Sherloc (09022015). Collection method: clinical testing. Allele origin: germline.
Comment: This sequence change replaces arginine, which is basic and polar, with glutamine, which is neutral and polar, at codon 334 of the HOMER2 protein (p.Arg334Gln). This variant is present in population databases (rs199827961, gnomAD 0.02%). This variant has not been reported in the literature in individuals affected with HOMER2-related conditions. An algorithm developed to predict the effect of missense changes on protein structure and function (PolyPhen-2) suggests that this variant is likely to be tolerated. In summary, the available evidence is currently insufficient to determine the role of this variant in disease. Therefore, it has been classified as a Variant of Uncertain Significance.

Ambry Genetics
Classification: Uncertain significance for Inborn genetic diseases. Last evaluated: 2024-08-11. Review status: criteria provided, single submitter. Criteria: Ambry Variant Classification Scheme 2023. Collection method: clinical testing. Allele origin: germline.

NM_004839.4(HOMER2):c.1001G>A (p.Arg334Gln)

Gene: HOMER2 (homer scaffold protein 2; minus strand). Cytogenetic location: 15q25.2.
Variant type: single nucleotide variant.
Coding change: c.1001G>A on transcript NM_004839.4 (MANE Select); coding-DNA position 1001, G replaced by A.
Protein change: p.Arg334Gln; replaces arginine 334 with glutamine.
Molecular consequence: missense variant.
Genome position (GRCh38, 1-based): chr15:82,849,746, C>T on the plus strand (G>A on the coding strand, the complement: HOMER2 is on the minus strand). VCF-style: chr15-82849746-C-T. GRCh37 (hg19) VCF-style: chr15-83518498-C-T.
Other names: c.1034G>A, p.Arg345Gln (NM_199330.3); short protein forms R334Q, R345Q.
Identifiers: ClinVar variation 3526152 (VCV003526152.3).
Genomic context (GRCh38, chr15:82,849,746, plus strand): 5'-CACGGGCGGGGCCTGGGCCTCGGCCAGCCCTAGTTATCGGTGCCCAGCTTGGAGAGCCCT[C>T]GGCGGAAGTCATGCAGGTCGTCAATCTTCCCGTCCAGCACCTCCAGGAAGCTCTTCAACT-3'
Protein context (NP_004830.2, residues 324-343): GKIDDLHDFR[Arg334Gln]GLSKLGTDN